The following is an entry in ClinVar:

NM_002076.4(GNS):c.1414dup (p.Gln472fs)

Gene: GNS (glucosamine (N-acetyl)-6-sulfatase; minus strand). Cytogenetic location: 12q14.3.
Variant type: Duplication.
Coding change: c.1414dup on transcript NM_002076.4 (MANE Select); coding-DNA position 1414, one base duplicated (C; older notation c.1414dupC).
Protein change: p.Gln472fs; shifts the reading frame from glutamine 472.
Molecular consequence: frameshift variant.
Genome position (GRCh38, 1-based): chr12:64,721,600, G duplicated on the plus strand (C on the coding strand, the reverse complement: GNS is on the minus strand); the first of 2 consecutive G bases (chr12:64,721,600-64,721,601); duplicating either gives the same sequence. VCF-style (leftmost placement, unchanged base first): chr12-64721599-T-TG. GRCh37 (hg19) VCF-style: chr12-65115379-T-TG.
Other names: short protein forms Q472fs.
Identifiers: ClinVar variation 1974056 (VCV001974056.5), dbSNP rs2539503808, ClinGen allele CA2580086636.

ClinVar aggregate classification (germline): Pathogenic (1 of 4 stars; one submission).

Conditions:
Mucopolysaccharidosis, MPS-III-D (MPS3D). Also called: N-ACETYLGLUCOSAMINE-6-SULFATASE DEFICIENCY; SANFILIPPO SYNDROME D; MPS III D; Mucopoly-saccharidosis type 3D; N-acetylglucosamine-6-sulfate sulfatase deficiency; MPS 3D. Identifiers: Orphanet 581, Orphanet 79272, MedGen C0086650, MONDO:0009658, OMIM 252940.

Submission:

Labcorp Genetics (formerly Invitae), Labcorp
Classification: Pathogenic for Mucopolysaccharidosis, MPS-III-D. Last evaluated: 2022-02-07. Review status: criteria provided, single submitter. Criteria: Invitae Variant Classification Sherloc (09022015). Collection method: clinical testing. Allele origin: germline.
Comment: For these reasons, this variant has been classified as Pathogenic. This variant has not been reported in the literature in individuals affected with GNS-related conditions. This variant is not present in population databases (gnomAD no frequency). This sequence change creates a premature translational stop signal (p.Gln472Profs*9) in the GNS gene. It is expected to result in an absent or disrupted protein product. Loss-of-function variants in GNS are known to be pathogenic (PMID: 20232353).

Literature cited by the submitters: PubMed 20232353.